The following is an entry in ClinVar:

NM_016580.4(PCDH12):c.418C>T (p.Gln140Ter)

Genes: PCDH12 (protocadherin 12; minus strand), RNF14 (ring finger protein 14; plus strand). Cytogenetic location: 5q31.3.
Variant type: single nucleotide variant.
Coding change: c.418C>T on transcript NM_016580.4 (MANE Select); coding-DNA position 418, C replaced by T.
Protein change: p.Gln140Ter; replaces glutamine 140 with a stop codon.
Molecular consequence: nonsense.
Genome position (GRCh38, 1-based): chr5:141,957,434, G>A on the plus strand (C>T on the coding strand, the complement: PCDH12 is on the minus strand). VCF-style: chr5-141957434-G-A. GRCh37 (hg19) VCF-style: chr5-141336999-G-A.
Other names: short protein forms Q140*.
Identifiers: ClinVar variation 2071056 (VCV002071056.4), dbSNP rs1753204589, ClinGen allele CA361591345.
Genomic context (GRCh38, chr5:141,957,434, plus strand): 5'-GAGCTCTGTCCAGGGGGATCCGGGTTCGCAGAGAGGCGCTCTCAGAGATTTCCAGCTCCT[G>A]CTCGCCTTTGGGAAACCGTGGCTGGTGGTCATTGATGTCCAGCACTTGGATCTCCACATG-3'

ClinVar aggregate classification (germline): Pathogenic (1 of 4 stars; one submission).

Allele frequency attached by ClinVar (database versions not stated): TOPMed 0.00001.

Submission:

Labcorp Genetics (formerly Invitae), Labcorp
Classification: Pathogenic. Last evaluated: 2022-01-02. Review status: criteria provided, single submitter. Criteria: Invitae Variant Classification Sherloc (09022015). Collection method: clinical testing. Allele origin: germline.
Comment: For these reasons, this variant has been classified as Pathogenic. Algorithms developed to predict the effect of sequence changes on RNA splicing suggest that this variant may create or strengthen a splice site. This variant has not been reported in the literature in individuals affected with PCDH12-related conditions. This variant is not present in population databases (gnomAD no frequency). This sequence change creates a premature translational stop signal (p.Gln140*) in the PCDH12 gene. It is expected to result in an absent or disrupted protein product. Loss-of-function variants in PCDH12 are known to be pathogenic (PMID: 27164683, 29556033).

Literature cited by the submitters: PubMed 27164683; PubMed 29556033.